The following is an entry in ClinVar:

ClinVar aggregate classification (germline): Benign (1 of 4 stars; one submission).

Conditions:
Imerslund-Grasbeck syndrome type 1 (IGS1). Also called: Megaloblastic anemia 1, Finnish type; MEGALOBLASTIC ANEMIA, 1; Imerslund-Gräsbeck syndrome 1. Identifiers: MedGen C4016819, MONDO:0100156, OMIM 261100.

Allele frequency attached by ClinVar (database versions not stated): gnomAD 0.00607 and 0.00648; 1000 Genomes Project 30x 0.00765; TOPMed 0.00667; 1000 Genomes Project 0.00759.

Submission:

Illumina Laboratory Services, Illumina
Classification: Benign for Imerslund-Grasbeck syndrome type 1. Last evaluated: 2018-01-12. Review status: criteria provided, single submitter. Criteria: ICSL Variant Classification Criteria 13 December 2019. Collection method: clinical testing. Allele origin: germline.
Comment: This variant was observed in the ICSL laboratory as part of a predisposition screen in an ostensibly healthy population. It had not been previously curated by ICSL or reported in the Human Gene Mutation Database (HGMD: prior to June 1st, 2018), and was therefore a candidate for classification through an automated scoring system. Utilizing variant allele frequency, disease prevalence and penetrance estimates, and inheritance mode, an automated score was calculated to assess if this variant is too frequent to cause the disease. Based on the score and internal cut-off values, a variant classified as benign is not then subjected to further curation. The score for this variant resulted in a classification of benign for this disease.

NM_001081.4(CUBN):c.*737T>C

Gene: CUBN (cubilin; minus strand). Cytogenetic location: 10p13.
Variant type: single nucleotide variant.
Coding change: c.*737T>C on transcript NM_001081.4 (MANE Select); 737 bases downstream of the stop codon, T replaced by C.
Molecular consequence: 3 prime UTR variant.
Genome position (GRCh38, 1-based): chr10:16,824,238, A>G on the plus strand (T>C on the coding strand, the complement: CUBN is on the minus strand). VCF-style: chr10-16824238-A-G. GRCh37 (hg19) VCF-style: chr10-16866237-A-G.
Identifiers: ClinVar variation 299328 (VCV000299328.5), dbSNP rs114039309, ClinGen allele CA10634991.